The following is an entry in ClinVar:

ClinVar aggregate classification (germline): Benign/Likely benign. Review status: criteria provided, multiple submitters, no conflicts (2 of 4 stars). 3 submissions from 3 submitters: Benign (2); Likely benign (1). Last evaluated 2026-01-26.

Submissions (3):

Labcorp Genetics (formerly Invitae), Labcorp
Classification: Benign. Last evaluated: 2026-01-26. Review status: criteria provided, single submitter. Criteria: Invitae Variant Classification Sherloc (09022015). Collection method: clinical testing. Allele origin: germline.

Center for Pediatric Genomic Medicine, Children's Mercy Hospital and Clinics
Classification: Likely benign. Last evaluated: 2017-01-09. Review status: criteria provided, single submitter. Criteria: ACMG Guidelines, 2015. Collection method: clinical testing. Allele origin: germline.
ClinVar note: Converted during submission from Likely Benign to Likely benign.

Eurofins Ntd Llc (ga)
Classification: Benign. Last evaluated: 2015-11-17. Review status: criteria provided, single submitter. Criteria: EGL Classification Definitions 2015. Collection method: clinical testing. Allele origin: germline. Observed: 1 variant allele, 1 heterozygote.

NM_001017995.3(SH3PXD2B):c.1612GAGCGG[2] (p.538ER[2])

Gene: SH3PXD2B (SH3 and PX domains 2B; minus strand). Cytogenetic location: 5q35.1.
Variant type: Microsatellite.
Coding change: c.1612GAGCGG[2] on transcript NM_001017995.3 (MANE Select); two copies in a row of the 6-base unit GAGCGG starting at c.1612; the reference has three copies in a row; one copy, 6 bases deleted; also written c.1624_1629del.
Protein change: p.538ER[2].
Molecular consequence: inframe deletion. On other transcripts: intron variant (1).
Genome position (GRCh38, 1-based): chr5:172,339,476-172,339,481, CCGCTC deleted on the plus strand (GAGCGG on the coding strand, the reverse complement: SH3PXD2B is on the minus strand); deleting any 6 consecutive bases within chr5:172,339,476-172,339,494 gives the same sequence; the position shown is the placement nearest the transcript's 3' end. VCF-style (leftmost placement, unchanged base first): chr5-172339475-GCCGCTC-G. GRCh37 (hg19) VCF-style: chr5-171766479-GCCGCTC-G.
Other names: c.1188+6643GAGCGG[2] (NM_001308175.2); c.1624_1629del (NM_001017995.2).
Identifiers: ClinVar variation 284621 (VCV000284621.17), dbSNP rs534091900, ClinGen allele CA3561138.